The following is an entry in ClinVar:

ClinVar aggregate classification (germline): Uncertain significance (1 of 4 stars; one submission).

Conditions:
ALG6-congenital disorder of glycosylation 1C (CDG1C). Also called: Congenital disorder of glycosylation, type Ic; CARBOHYDRATE-DEFICIENT GLYCOPROTEIN SYNDROME, TYPE I, WITH DEFICIENT GLYCOSYLATION OF DOLICHOL-LINKED OLIGOSACCHARIDE; CARBOHYDRATE-DEFICIENT GLYCOPROTEIN SYNDROME, TYPE V; Congenital disorder of glycosylation type 1C; CDG Ic. Identifiers: Orphanet 79320, MedGen C2930997, MONDO:0011291, OMIM 603147.

Submission:

Labcorp Genetics (formerly Invitae), Labcorp
Classification: Uncertain significance for ALG6-congenital disorder of glycosylation 1C. Last evaluated: 2023-12-01. Review status: criteria provided, single submitter. Criteria: Invitae Variant Classification Sherloc (09022015). Collection method: clinical testing. Allele origin: germline.
Comment: This variant, c.714_716del, results in the deletion of 1 amino acid(s) of the ALG6 protein (p.Val239del), but otherwise preserves the integrity of the reading frame. This variant is present in population databases (rs766307079, gnomAD 0.003%). This variant has not been reported in the literature in individuals affected with ALG6-related conditions. Experimental studies and prediction algorithms are not available or were not evaluated, and the functional significance of this variant is currently unknown. In summary, the available evidence is currently insufficient to determine the role of this variant in disease. Therefore, it has been classified as a Variant of Uncertain Significance.

NM_013339.4(ALG6):c.711TGT[1] (p.Val239del)

Gene: ALG6 (ALG6 alpha-1,3-glucosyltransferase; plus strand). Cytogenetic location: 1p31.3.
Variant type: Microsatellite.
Coding change: c.711TGT[1] on transcript NM_013339.4 (MANE Select); one copy of the 3-base unit TGT starting at c.711; the reference has two copies in a row; one copy, 3 bases deleted.
Protein change: p.Val239del; deletes valine 239.
Molecular consequence: inframe deletion.
Genome position (GRCh38, 1-based): chr1:63,411,959-63,411,961, TGT deleted; deleting any 3 consecutive bases within chr1:63,411,955-63,411,961 gives the same sequence; the position shown is the placement nearest the transcript's 3' end. VCF-style (leftmost placement, unchanged base first): chr1-63411954-ATTG-A. GRCh37 (hg19) VCF-style: chr1-63877625-ATTG-A.
Other names: short protein forms V239del.
Identifiers: ClinVar variation 2157477 (VCV002157477.4), dbSNP rs766307079, ClinGen allele CA888239.